The following is an entry in ClinVar:

NM_000540.3(RYR1):c.1971G>C (p.Gln657His)

Gene: RYR1 (ryanodine receptor 1; plus strand). Cytogenetic location: 19q13.2.
Variant type: single nucleotide variant.
Coding change: c.1971G>C on transcript NM_000540.3 (MANE Select); coding-DNA position 1971, G replaced by C.
Protein change: p.Gln657His; replaces glutamine 657 with histidine.
Molecular consequence: missense variant.
Genome position (GRCh38, 1-based): chr19:38,458,096, G>C. VCF-style: chr19-38458096-G-C. GRCh37 (hg19) VCF-style: chr19-38948736-G-C.
Other names: c.1971G>C, p.Gln657His (NM_001042723.2); short protein forms Q657H.
Identifiers: ClinVar variation 3073235 (VCV003073235.3), dbSNP rs933093715, ClinGen allele CA308125721.
Genomic context (GRCh38, chr19:38,458,096, plus strand): 5'-CCATCTCTCCTGCAGCATCCGCCCCAACATCTTTGTGGGCCGAGCGGAAGGCACCACGCA[G>C]TACAGCAAATGGTACTTTGAGGTGATGGTGGACGAGGTGACTCCATTTCTGACAGCTCAG-3'
Protein context (NP_000531.2, residues 647-667): IFVGRAEGTT[Gln657His]YSKWYFEVMV

ClinVar aggregate classification (germline): Uncertain significance. Review status: criteria provided, multiple submitters, no conflicts (2 of 4 stars). 3 submissions from 3 submitters: Uncertain significance (3). Last evaluated 2024-08-14.

Conditions:
Malignant hyperthermia, susceptibility to, 1 (MHS1). Also called: Anesthesia related hyperthermia; Malignant hyperpyrexia; Fulminating hyperpyrexia; Pharmacogenic myopathy; RYR1-Related Malignant Hyperthermia Susceptibility; Malignant hyperthermia suceptibility 1. Identifiers: Orphanet 423, MedGen C2930980, MONDO:0007783, OMIM 145600.

Allele frequency attached by ClinVar (database versions not stated): gnomAD 0.00001.
gnomAD v4.1: 1 of 1,613,858 alleles (0.000062%); highest among the groups gnomAD compares: Admixed American, 0.0017%; no homozygotes.

Submissions (3):

GeneDx
Classification: Uncertain significance. Last evaluated: 2024-08-14. Review status: criteria provided, single submitter. Criteria: GeneDx Variant Classification Process June 2021. Collection method: clinical testing. Allele origin: germline. Affected: yes.
Comment: Not observed at significant frequency in large population cohorts (gnomAD); In silico analysis supports that this missense variant has a deleterious effect on protein structure/function; Has not been previously published as pathogenic or benign to our knowledge

All of Us Research Program, National Institutes of Health
Classification: Uncertain significance for Malignant hyperthermia, susceptibility to, 1. Last evaluated: 2023-08-28. Review status: criteria provided, single submitter. Criteria: ACMG Guidelines, 2015. Collection method: clinical testing. Allele origin: germline. Inheritance: Autosomal dominant inheritance. Observed: 1 variant allele, 1 heterozygote.
Comment: This missense variant replaces glutamine with histidine at codon 657 of the RYR1 protein. Computational prediction is inconclusive regarding the impact of this variant on protein structure and function (internally defined REVEL score threshold 0.5 < inconclusive < 0.7, PMID: 27666373). To our knowledge, functional studies have not been reported for this variant. This variant has not been reported in individuals affected with RYR1-related disorders in the literature. This variant has not been identified in the general population by the Genome Aggregation Database (gnomAD). The available evidence is insufficient to determine the role of this variant in disease conclusively. Therefore, this variant is classified as a Variant of Uncertain Significance.

This study involves interpretation of variants in research participants for the purpose of population health screening. Participant phenotype was not available at the time of variant classification. Additional details can be found in publication PMID: 35346344, PMCID: PMC8962531

Color Diagnostics, LLC DBA Color Health
Classification: Uncertain significance for Malignant hyperthermia, susceptibility to, 1. Last evaluated: 2023-04-26. Review status: criteria provided, single submitter. Criteria: ACMG Guidelines, 2015. Collection method: clinical testing. Allele origin: germline.
Comment: This missense variant replaces glutamine with histidine at codon 657 of the RYR1 protein. Computational prediction is inconclusive regarding the impact of this variant on protein structure and function (internally defined REVEL score threshold 0.5 < inconclusive < 0.7, PMID: 27666373). To our knowledge, functional studies have not been reported for this variant. This variant has not been reported in individuals affected with RYR1-related disorders in the literature. This variant has not been identified in the general population by the Genome Aggregation Database (gnomAD). The available evidence is insufficient to determine the role of this variant in disease conclusively. Therefore, this variant is classified as a Variant of Uncertain Significance.